The following is an entry in ClinVar:

NM_000186.4(CFH):c.2200A>T (p.Ile734Phe)

Gene: CFH (complement factor H; plus strand). Cytogenetic location: 1q31.3.
Variant type: single nucleotide variant.
Coding change: c.2200A>T on transcript NM_000186.4 (MANE Select); coding-DNA position 2200, A replaced by T.
Protein change: p.Ile734Phe; replaces isoleucine 734 with phenylalanine.
Molecular consequence: missense variant.
Genome position (GRCh38, 1-based): chr1:196,726,904, A>T. VCF-style: chr1-196726904-A-T. GRCh37 (hg19) VCF-style: chr1-196696034-A-T.
Other names: short protein forms I734F.
Identifiers: ClinVar variation 3575447 (VCV003575447.3).
Genomic context (GRCh38, chr1:196,726,904, plus strand): 5'-TCAGTGGAATTCAATTGCTCAGAATCATTTACAATGATTGGACACAGATCAATTACGTGT[A>T]TTCATGGAGTATGGACCCAACTTCCCCAGTGTGTGGGTGAGAATACCCTTCTTAAATCAA-3'
Protein context (NP_000177.2, residues 724-744): TMIGHRSITC[Ile734Phe]HGVWTQLPQC

ClinVar aggregate classification (germline): Uncertain significance. Review status: criteria provided, multiple submitters, no conflicts (2 of 4 stars). 3 submissions from 3 submitters: Uncertain significance (3). Last evaluated 2025-08-09.

Conditions:
Hemolytic uremic syndrome, atypical, susceptibility to, 1. Also called: AHUS, SUSCEPTIBILITY TO, 1. Identifiers: Orphanet 2134, Orphanet 90038, MedGen C2749604, MONDO:0009335, OMIM 235400. Disease mechanism: Other.
Basal laminar drusen. Also called: DRUSEN OF BRUCH MEMBRANE; DRUSEN, CUTICULAR; DRUSEN, EARLY ADULT-ONSET, GROUPED. Identifiers: Orphanet 75376, MedGen C0730295, MONDO:0007472, OMIM 126700.
Factor H deficiency (CFHD). Also called: COMPLEMENT FACTOR H DEFICIENCY; CFH DEFICIENCY. Identifiers: Orphanet 200421, MedGen C0398777, MONDO:0012350, OMIM 609814.
Age related macular degeneration 4. Identifiers: MedGen C1853147, MONDO:0012540, OMIM 610698.

gnomAD v4.1: 4 of 1,613,600 alleles (0.00025%); highest among the groups gnomAD compares: Non-Finnish European, 0.00034%; no homozygotes.

Submissions (3):

Labcorp Genetics (formerly Invitae), Labcorp
Classification: Uncertain significance. Last evaluated: 2025-08-09. Review status: criteria provided, single submitter. Criteria: Invitae Variant Classification Sherloc (09022015). Collection method: clinical testing. Allele origin: germline.
Comment: This sequence change replaces isoleucine, which is neutral and non-polar, with phenylalanine, which is neutral and non-polar, at codon 734 of the CFH protein (p.Ile734Phe). This variant is present in population databases (no rsID available, gnomAD 0.01%). This variant has not been reported in the literature in individuals affected with CFH-related conditions. ClinVar contains an entry for this variant (Variation ID: 3575447). An algorithm developed to predict the effect of missense changes on protein structure and function (PolyPhen-2) suggests that this variant is likely to be tolerated. In summary, the available evidence is currently insufficient to determine the role of this variant in disease. Therefore, it has been classified as a Variant of Uncertain Significance.

Women's Health and Genetics/Laboratory Corporation of America, LabCorp
Classification: Uncertain significance. Last evaluated: 2024-11-08. Review status: criteria provided, single submitter. Criteria: LabCorp Variant Classification Summary - May 2015. Collection method: clinical testing. Allele origin: germline.
Comment: Variant summary: CFH c.2200A>T (p.Ile734Phe) results in a non-conservative amino acid change located in the Complement Module, domain 1 (InterPro) of the encoded protein sequence. Three of five in-silico tools predict a benign effect of the variant on protein function. The variant was absent in 251172 control chromosomes (gnomAD). The available data on variant occurrences in the general population are insufficient to allow any conclusion about variant significance. To our knowledge, no occurrence of c.2200A>T in individuals affected with CFH-Related Disorders and no experimental evidence demonstrating its impact on protein function have been reported. No submitters have cited clinical-significance assessments for this variant to ClinVar. Based on the evidence outlined above, the variant was classified as uncertain significance.

Fulgent Genetics
Classification: Uncertain significance for Basal laminar drusen; Hemolytic uremic syndrome, atypical, susceptibility to, 1; Factor H deficiency; Age related macular degeneration 4. Last evaluated: 2023-12-27. Review status: criteria provided, single submitter. Criteria: ACMG Guidelines, 2015. Collection method: clinical testing. Allele origin: germline.